The following is an entry in ClinVar:

ClinVar aggregate classification (germline): Conflicting classifications of pathogenicity. Review status: criteria provided, conflicting classifications (1 of 4 stars). 3 submissions from 3 submitters: Uncertain significance (1); Likely benign (2). Last evaluated 2024-09-30.

Conditions:
Hereditary cancer-predisposing syndrome. Also called: Tumor predisposition; Hereditary Cancer Syndrome; Neoplastic Syndromes, Hereditary; Hereditary neoplastic syndrome. Identifiers: Orphanet 140162, MedGen C0027672, MeSH D009386, MONDO:0015356.
Gorlin syndrome. Also called: Basal cell nevus syndrome; Nevoid Basal Cell Carcinoma Syndrome. Identifiers: Orphanet 377, MedGen C0004779, MONDO:0007187.

Allele frequency attached by ClinVar (database versions not stated): gnomAD 0.00001; TOPMed 0.00001; gnomAD exomes 0.00002.

Submissions (3):

Labcorp Genetics (formerly Invitae), Labcorp
Classification: Likely benign for Gorlin syndrome. Last evaluated: 2024-09-30. Review status: criteria provided, single submitter. Criteria: Invitae Variant Classification Sherloc (09022015). Collection method: clinical testing. Allele origin: germline.

Quest Diagnostics Nichols Institute San Juan Capistrano
Classification: Uncertain significance. Last evaluated: 2023-11-17. Review status: criteria provided, single submitter. Criteria: Quest Diagnostics criteria. Collection method: clinical testing. Allele origin: unknown.
Comment: The PTCH1 c.2325G>C (p.Leu775=) synonymous variant has not been reported in individuals with PTCH1-related conditions in the published literature. The frequency of this variant in the general population, 0.0000066 (1/152158 chromosomes (Genome Aggregation Database)), is uninformative in the assessment of its pathogenicity. Analysis of this variant using software algorithms for the prediction of the effect of nucleotide changes on splicing yielded predictions that this variant does not affect PTCH1 mRNA splicing. Based on the available information, we are unable to determine the clinical significance of this variant.

Ambry Genetics
Classification: Likely benign for Hereditary cancer-predisposing syndrome. Last evaluated: 2022-04-26. Review status: criteria provided, single submitter. Criteria: Ambry Variant Classification Scheme 2023. Collection method: clinical testing. Allele origin: germline.

NM_000264.5(PTCH1):c.2325G>C (p.Leu775=)

Genes: PTCH1 (patched 1; minus strand), LOC100507346 (uncharacterized LOC100507346; plus strand). Cytogenetic location: 9q22.32.
Variant type: single nucleotide variant.
Coding change: c.2325G>C on transcript NM_000264.5 (MANE Select); coding-DNA position 2325, G replaced by C.
Protein change: p.Leu775=; no amino-acid change (leucine 775 retained).
Molecular consequence: synonymous variant. On other transcripts: non-coding transcript variant (1).
Genome position (GRCh38, 1-based): chr9:95,467,351, C>G on the plus strand (G>C on the coding strand, the complement: PTCH1 is on the minus strand). VCF-style: chr9-95467351-C-G. GRCh37 (hg19) VCF-style: chr9-98229633-C-G.
Other names: c.2127G>C, p.Leu709= (NM_001083602.3); c.2322G>C, p.Leu774= (NM_001083603.3); c.1872G>C, p.Leu624= (NM_001083604.3, NM_001083605.3, NM_001083606.3 and 1 more transcripts); c.2169G>C, p.Leu723= (NM_001354918.2); c.2325G>C (NM_000264.4).
Identifiers: ClinVar variation 757271 (VCV000757271.15), dbSNP rs765736670, ClinGen allele CA196585886.
Genomic context (GRCh38, chr9:95,467,351, plus strand): 5'-GAATTGTGCAGCAATAAAGTCATATTCTCTGGTTTCCCGAGGTACAATGTCCGTAAGGTC[C>G]AGCCCGTCTCTCACTCGGGTGGTGCCATAAAGGCTGACCCCCAGCAAGCCCAGAAAAAGG-3'
Protein context (NP_000255.2, residues 765-785): LYGTTRVRDG[Leu775=]DLTDIVPRET